The following is an entry in ClinVar:

NM_001009944.3(PKD1):c.8259C>G (p.Tyr2753Ter)

Gene: PKD1 (polycystin 1, transient receptor potential channel interacting; minus strand). Cytogenetic location: 16p13.3.
Variant type: single nucleotide variant.
Coding change: c.8259C>G on transcript NM_001009944.3 (MANE Select); coding-DNA position 8259, C replaced by G.
Protein change: p.Tyr2753Ter; replaces tyrosine 2753 with a stop codon.
Molecular consequence: nonsense.
Genome position (GRCh38, 1-based): chr16:2,103,798, G>C on the plus strand (C>G on the coding strand, the complement: PKD1 is on the minus strand). VCF-style: chr16-2103798-G-C. GRCh37 (hg19) VCF-style: chr16-2153799-G-C.
Other names: c.8259C>G, p.Tyr2753Ter (NM_000296.4); short protein forms Y2753*.
Identifiers: ClinVar variation 4531249 (VCV004531249.1).

ClinVar aggregate classification (germline): Pathogenic (1 of 4 stars; one submission).

Conditions:
Polycystic kidney disease, adult type (PKD1). Also called: Polycystic Kidney, Autosomal Dominant; POLYCYSTIC KIDNEY DISEASE, ADULT, TYPE I; Polycystic Kidney Disease 1, Autosomal Dominant; Polycystic kidney disease 1; Polycystic kidney disease 1, severe; POLYCYSTIC KIDNEY DISEASE 1 WITH OR WITHOUT POLYCYSTIC LIVER DISEASE. Identifiers: MedGen C3149841, MONDO:0008263, OMIM 173900.

Submission:

Juno Genomics, Hangzhou Juno Genomics, Inc
Classification: Pathogenic for Polycystic kidney disease, adult type. Review status: criteria provided, single submitter. Criteria: ACMG Guidelines, 2015. Collection method: clinical testing. Allele origin: germline. Affected: yes.
Comment: Absent from controls (or at extremely low frequency if recessive) in Genome Aggregation Database, Exome Sequencing Project, 1000 Genomes Project, or Exome Aggregation Consortium.;Null variant in a gene where loss of function (LOF) is a known mechanism of disease.;The prevalence of the variant in affected individuals is significantly increased compared to the prevalence in controls.;Patient's phenotype or family history is highly specific for a disease with a single genetic etiology.